The following is an entry in ClinVar:

NM_001365951.3(KIF1B):c.2423C>T (p.Pro808Leu)

Gene: KIF1B (kinesin family member 1B; plus strand). Cytogenetic location: 1p36.22.
Variant type: single nucleotide variant.
Coding change: c.2423C>T on transcript NM_001365951.3 (MANE Select); coding-DNA position 2423, C replaced by T.
Protein change: p.Pro808Leu; replaces proline 808 with leucine.
Molecular consequence: missense variant.
Genome position (GRCh38, 1-based): chr1:10,323,948, C>T. VCF-style: chr1-10323948-C-T. GRCh37 (hg19) VCF-style: chr1-10384006-C-T.
Other names: c.2423C>T, p.Pro808Leu (NM_001365952.1); c.2285C>T, p.Pro762Leu (NM_015074.3); short protein forms P762L, P808L.
Identifiers: ClinVar variation 3226391 (VCV003226391.1), dbSNP rs2521622496, ClinGen allele CA338334598.

ClinVar aggregate classification (germline): Uncertain significance (1 of 4 stars; one submission).

Allele frequency attached by ClinVar (database versions not stated): gnomAD exomes below 0.00001.
gnomAD v4.1: 3 of 1,614,080 alleles (0.00019%); highest among the groups gnomAD compares: Non-Finnish European, 0.00017%; no homozygotes.

Submission:

Ambry Genetics
Classification: Uncertain significance. Last evaluated: 2024-02-13. Review status: criteria provided, single submitter. Criteria: Ambry Variant Classification Scheme 2023. Collection method: clinical testing. Allele origin: germline.
Comment: The p.P762L variant (also known as c.2285C>T), located in coding exon 22 of the KIF1B gene, results from a C to T substitution at nucleotide position 2285. The proline at codon 762 is replaced by leucine, an amino acid with similar properties. This amino acid position is conserved. In addition, the in silico prediction for this alteration is inconclusive. Based on the available evidence, the clinical significance of this alteration remains unclear.